The following is an entry in ClinVar:

ClinVar aggregate classification (germline): Uncertain significance (1 of 4 stars; one submission).

gnomAD v4.1: 2 of 1,614,096 alleles (0.00012%); highest among the groups gnomAD compares: Non-Finnish European, 0.00017%; no homozygotes.

Submission:

GeneDx
Classification: Uncertain significance. Last evaluated: 2023-11-20. Review status: criteria provided, single submitter. Criteria: GeneDx Variant Classification Process June 2021. Collection method: clinical testing. Allele origin: germline. Affected: yes.
Comment: Has not been previously published as pathogenic or benign to our knowledge; Not observed at significant frequency in large population cohorts (gnomAD); In silico analysis supports that this missense variant has a deleterious effect on protein structure/function

NM_001148.6(ANK2):c.1204C>G (p.Leu402Val)

Gene: ANK2 (ankyrin 2; plus strand). Cytogenetic location: 4q26.
Variant type: single nucleotide variant.
Coding change: c.1204C>G on transcript NM_001148.6 (MANE Select); coding-DNA position 1204, C replaced by G.
Protein change: p.Leu402Val; replaces leucine 402 with valine.
Molecular consequence: missense variant. On other transcripts: intron variant (5).
Genome position (GRCh38, 1-based): chr4:113,258,065, C>G. VCF-style: chr4-113258065-C-G. GRCh37 (hg19) VCF-style: chr4-114179221-C-G.
Other names: c.1141C>G, p.Leu381Val (NM_001127493.3, NM_001354239.2, NM_001354243.2 and 14 more transcripts); c.1204C>G, p.Leu402Val (NM_001354225.2, NM_001354228.2, NM_001354232.2 and 8 more transcripts); c.1249C>G, p.Leu417Val (NM_001354230.2, NM_001354231.2, NM_001354237.2 and 5 more transcripts); c.1117C>G, p.Leu373Val (NM_001354249.2, NM_001354260.2, NM_001354264.2 and 13 more transcripts); c.1162C>G, p.Leu388Val (NM_001354261.2, NM_001386147.1, NM_001386160.1); c.1192C>G, p.Leu398Val (NM_001386148.2, NM_001386186.2); c.1255C>G, p.Leu419Val (NM_001386174.1); c.1231C>G, p.Leu411Val (NM_001386175.1); and 4 more; short protein forms L373V, L381V, L388V, L390V, L398V, L402V, L411V, L417V.
Identifiers: ClinVar variation 3364718 (VCV003364718.1).